The following is an entry in ClinVar:

ClinVar aggregate classification (germline): Uncertain significance (1 of 4 stars; one submission).

Conditions:
Hereditary cancer-predisposing syndrome. Also called: Neoplastic Syndromes, Hereditary; Hereditary Cancer Syndrome; Tumor predisposition; Hereditary neoplastic syndrome. Identifiers: Orphanet 140162, MedGen C0027672, MeSH D009386, MONDO:0015356.

Allele frequency attached by ClinVar (database versions not stated): gnomAD exomes below 0.00001.
gnomAD v4.1: 1 of 1,614,124 alleles (0.000062%); highest among the groups gnomAD compares: Non-Finnish European, 0.000085%; no homozygotes.

Submission:

Ambry Genetics
Classification: Uncertain significance for Hereditary cancer-predisposing syndrome. Last evaluated: 2025-10-22. Review status: criteria provided, single submitter. Criteria: Ambry Variant Classification Scheme 2023. Collection method: clinical testing. Allele origin: germline.
Comment: The p.S2289F variant (also known as c.6866C>T), located in coding exon 46 of the ATM gene, results from a C to T substitution at nucleotide position 6866. The serine at codon 2289 is replaced by phenylalanine, an amino acid with highly dissimilar properties. This amino acid position is well conserved in available vertebrate species. In addition, the in silico prediction for this alteration is inconclusive. Since supporting evidence is limited at this time, the clinical significance of this alteration remains unclear.

NM_000051.4(ATM):c.6866C>T (p.Ser2289Phe)

Genes: ATM (ATM serine/threonine kinase; plus strand), C11orf65 (chromosome 11 open reading frame 65; minus strand). Cytogenetic location: 11q22.3.
Variant type: single nucleotide variant.
Coding change: c.6866C>T on transcript NM_000051.4 (MANE Select); coding-DNA position 6866, C replaced by T.
Protein change: p.Ser2289Phe; replaces serine 2289 with phenylalanine.
Molecular consequence: missense variant. On other transcripts: intron variant (2).
Genome position (GRCh38, 1-based): chr11:108,326,116, C>T. VCF-style: chr11-108326116-C-T. GRCh37 (hg19) VCF-style: chr11-108196843-C-T.
Other names: c.6866C>T, p.Ser2289Phe (NM_001351834.2); c.641-17045G>A (NM_001330368.2); c.*38+9104G>A (NM_001351110.2); short protein forms S2289F.
Identifiers: ClinVar variation 481151 (VCV000481151.7), dbSNP rs1555119833, ClinGen allele CA382556755.